The following is an entry in ClinVar:

ClinVar aggregate classification (germline): Likely benign (1 of 4 stars; one submission).

gnomAD v4.1: 24 of 1,612,590 alleles (0.0015%); highest among the groups gnomAD compares: African/African-American, 0.0053%; no homozygotes.

Submission:

CeGaT Center for Human Genetics Tuebingen
Classification: Likely benign. Last evaluated: 2025-03-01. Review status: criteria provided, single submitter. Criteria: CeGaT Center For Human Genetics Tuebingen Variant Classification Criteria Version 2. Collection method: clinical testing. Allele origin: germline. Affected: yes. Observed: 1 variant allele.
Comment: CTDP1: BP4, BP7

NM_004715.5(CTDP1):c.1161C>T (p.Ser387=)

Gene: CTDP1 (CTD phosphatase 1; plus strand). Cytogenetic location: 18q23.
Variant type: single nucleotide variant.
Coding change: c.1161C>T on transcript NM_004715.5 (MANE Select); coding-DNA position 1161, C replaced by T.
Protein change: p.Ser387=; no amino-acid change (serine 387 retained).
Molecular consequence: synonymous variant.
Genome position (GRCh38, 1-based): chr18:79,714,621, C>T. VCF-style: chr18-79714621-C-T. GRCh37 (hg19) VCF-style: chr18-77474621-C-T.
Other names: c.804C>T, p.Ser268= (NM_001202504.1); c.1161C>T, p.Ser387= (NM_001318511.2, NM_048368.4).
Identifiers: ClinVar variation 3777873 (VCV003777873.7).
Genomic context (GRCh38, chr18:79,714,621, plus strand): 5'-GGCCCCTGGAGTGGAGCCCAGCAATGGCCTGGAGAAGCCTGCACGGGAGCTGAACGGCAG[C>T]GAGGCCGCCACCCCGCGGGACTCACCCCGCCCCGGGAAGCCAGACGAGAGGGACATCTGG-3'
Protein context (NP_004706.3, residues 377-397): LEKPARELNG[Ser387=]EAATPRDSPR